The following is an entry in ClinVar:

NM_024306.5(FA2H):c.1093G>C (p.Glu365Gln)

Gene: FA2H (fatty acid 2-hydroxylase; minus strand). Cytogenetic location: 16q23.1.
Variant type: single nucleotide variant.
Coding change: c.1093G>C on transcript NM_024306.5 (MANE Select); coding-DNA position 1093, G replaced by C.
Protein change: p.Glu365Gln; replaces glutamic acid 365 with glutamine.
Molecular consequence: missense variant.
Genome position (GRCh38, 1-based): chr16:74,714,216, C>G on the plus strand (G>C on the coding strand, the complement: FA2H is on the minus strand). VCF-style: chr16-74714216-C-G. GRCh37 (hg19) VCF-style: chr16-74748114-C-G.
Other names: p.Glu365Gln; c.1093G>C (NM_024306.4); short protein forms E365Q.
Identifiers: ClinVar variation 1507430 (VCV001507430.11), dbSNP rs150795488, ClinGen allele CA283757243.

ClinVar aggregate classification (germline): Uncertain significance. Review status: criteria provided, multiple submitters, no conflicts (2 of 4 stars). 4 submissions from 4 submitters: Uncertain significance (4). Last evaluated 2026-08-23.

Conditions:
Spastic paraplegia. Identifiers: MedGen C0037772, HP:0001258.
Inborn genetic diseases. Identifiers: MedGen C0950123, MeSH D030342.

Allele frequency attached by ClinVar (database versions not stated): gnomAD 0.00003 and 0.00004; gnomAD exomes 0.00003 and 0.00010; TOPMed 0.00005; ESP Exome Variant Server 0.00008.
gnomAD v4.1: 148 of 1,566,368 alleles (0.0094%); highest among the groups gnomAD compares: Non-Finnish European, 0.012%; no homozygotes.

Submissions (4):

GeneDx
Classification: Uncertain significance. Last evaluated: 2026-08-23. Review status: criteria provided, single submitter. Criteria: GeneDx Variant Classification Process June 2021. Collection method: clinical testing. Allele origin: germline.
Comment: Not observed at significant frequency in large population cohorts (gnomAD); In silico analysis suggests that this missense variant does not alter protein structure/function; In silico analysis suggests this variant may impact gene splicing. In the absence of RNA/functional studies, the actual effect of this sequence change is unknown.; Has not been previously published as pathogenic or benign to our knowledge

Mayo Clinic Laboratories, Mayo Clinic
Classification: Uncertain significance. Last evaluated: 2025-05-19. Review status: criteria provided, single submitter. Criteria: ACMG Guidelines, 2015. Collection method: clinical testing. Allele origin: germline. Observed: 1 variant allele.

Ambry Genetics
Classification: Uncertain significance for Inborn genetic diseases. Last evaluated: 2022-12-13. Review status: criteria provided, single submitter. Criteria: Ambry Variant Classification Scheme 2023. Collection method: clinical testing. Allele origin: germline.

Labcorp Genetics (formerly Invitae), Labcorp
Classification: Uncertain significance for Spastic paraplegia. Last evaluated: 2022-07-12. Review status: criteria provided, single submitter. Criteria: Invitae Variant Classification Sherloc (09022015). Collection method: clinical testing. Allele origin: germline.
Comment: This variant is present in population databases (rs150795488, gnomAD 0.007%). This sequence change replaces glutamic acid, which is acidic and polar, with glutamine, which is neutral and polar, at codon 365 of the FA2H protein (p.Glu365Gln). This variant has not been reported in the literature in individuals affected with FA2H-related conditions. ClinVar contains an entry for this variant (Variation ID: 1507430). Algorithms developed to predict the effect of missense changes on protein structure and function are either unavailable or do not agree on the potential impact of this missense change (SIFT: "Tolerated"; PolyPhen-2: "Possibly Damaging"; Align-GVGD: "Class C0"). Algorithms developed to predict the effect of sequence changes on RNA splicing suggest that this variant may create or strengthen a splice site. In summary, the available evidence is currently insufficient to determine the role of this variant in disease. Therefore, it has been classified as a Variant of Uncertain Significance.